The following is an entry in ClinVar:

GRCh37/hg19 16p11.2(chr16:29498472-30199909)x3

Genes: ALDOA (aldolase, fructose-bisphosphate A; plus strand), ASPHD1 (aspartate beta-hydroxylase domain containing 1; plus strand), C16orf54 (chromosome 16 open reading frame 54; minus strand), C16orf92 (chromosome 16 open reading frame 92; plus strand), CDIPT (CDP-diacylglycerol--inositol 3-phosphatidyltransferase; minus strand) and 22 more. Cytogenetic location: 16p11.2.
Variant type: copy number gain.
Change: copy number 3 (three copies instead of two) of chr16:29,498,472-30,199,909 (701.4 kb, GRCh37 coordinates, 1-based), cytogenetic band 16p11.2.
Identifiers: ClinVar variation 4686714 (VCV004686714.1).

ClinVar aggregate classification (germline): Pathogenic (1 of 4 stars; one submission).

Conditions:
Chromosome 16p11.2 duplication syndrome. Identifiers: Orphanet 370079, MedGen C3553407, MONDO:0013847, OMIM 614671.

Submission:

Department of Traditional Chinese Medicine, Fujian Provincial Hospital
Classification: Pathogenic for Chromosome 16p11.2 duplication syndrome. Review status: criteria provided, single submitter. Criteria: ACMG Guidelines, 2015. Collection method: research. Allele origin: inherited.
Comment: Copy number variation analysis revealed a pathogenic duplication at chromosome 16p11.2. The genomic coordinates of the duplication were defined as dup(16)(p11.2), chr16:g.29498472_30199909dup (GRCh37), corresponding to a recurrent BP4–BP5 microduplication of approximately 0.8 Mb in size. This region encompasses multiple dosage-sensitive genes, including TBX6, and has been previously associated with 16p11.2 microduplication syndrome (OMIM #614671). According to the ACMG guidelines for the interpretation of copy number variants, this duplication is classified as pathogenic. Therefore, we conclude that this familial 16p11.2 microduplication represents the molecular genetic basis underlying the observed clinical manifestations in this family.